The following is an entry in ClinVar:

ClinVar aggregate classification (germline): Conflicting classifications of pathogenicity. Review status: criteria provided, conflicting classifications (1 of 4 stars). 4 submissions from 4 submitters: Uncertain significance (2); Likely benign (1). 1 of the submissions does not count toward it. Last evaluated 2026-01-26.

Conditions:
ASPM-related disorder. Also called: ASPM-related condition.
Microcephaly 5, primary, autosomal recessive (MCPH5). Also called: ASPM Primary Microcephaly. Identifiers: Orphanet 2512, MedGen C1837501, MONDO:0012106, OMIM 608716.

Allele frequency attached by ClinVar (database versions not stated): gnomAD 0.00021 and 0.00031; gnomAD exomes 0.00022 and 0.00058; TOPMed 0.00037; ExAC 0.00059; 1000 Genomes Project 30x 0.00109; 1000 Genomes Project 0.00140.
gnomAD v4.1: 391 of 1,612,956 alleles (0.024%); highest among the groups gnomAD compares: East Asian, 0.76%; 1 homozygote.

Submissions (4):

Labcorp Genetics (formerly Invitae), Labcorp
Classification: Likely benign. Last evaluated: 2026-01-26. Review status: criteria provided, single submitter. Criteria: Invitae Variant Classification Sherloc (09022015). Collection method: clinical testing. Allele origin: germline.

Victorian Clinical Genetics Services, Murdoch Childrens Research Institute
Classification: Uncertain significance for Microcephaly 5, primary, autosomal recessive. Last evaluated: 2019-08-28. Review status: criteria provided, single submitter. Criteria: ACMG Guidelines, 2015. Collection method: clinical testing. Allele origin: germline. Inheritance: Autosomal recessive inheritance. Affected: yes.
Comment: A heterozygous missense variant, NM_018136.4(ASPM):c.7114A>G, has been identified in exon 18 of 28 of the ASPM gene. The variant is predicted to result in a major amino acid change from arginine to glycine at position 2372 of the protein (NP_060606.3(ASPM):p.Arg2372Gly). The arginine residue at this position has low conservation (100 vertebrates, UCSC), and is located within the COG5022 super family domain. In silico predictions of pathogenicity for this variant are conflicting (Polyphen, SIFT, CADD, Mutation Taster). The variant is present in the gnomAD database at a frequency of 0.05% (153 heterozygotes, 0 homozygotes) and has been previously described as a variant of uncertain significance (ClinVar). Based on the information available at the time of curation, this variant has been classified as a VARIANT of UNCERTAIN SIGNIFICANCE (VUS).

Eurofins Ntd Llc (ga)
Classification: Uncertain significance. Last evaluated: 2017-01-11. Review status: criteria provided, single submitter. Criteria: EGL Classification Definitions 2015. Collection method: clinical testing. Allele origin: germline. Observed: 1 variant allele, 1 heterozygote.

PreventionGenetics, part of Exact Sciences
Classification: Benign for ASPM-related condition. Last evaluated: 2019-02-28. Review status: no assertion criteria provided. Collection method: clinical testing. Allele origin: germline. Not counted in ClinVar's aggregate classification.
Comment: This variant is classified as benign based on ACMG/AMP sequence variant interpretation guidelines (Richards et al. 2015 PMID: 25741868, with internal and published modifications).

NM_018136.5(ASPM):c.7114A>G (p.Arg2372Gly)

Gene: ASPM (assembly factor for spindle microtubules; minus strand). Cytogenetic location: 1q31.3.
Variant type: single nucleotide variant.
Coding change: c.7114A>G on transcript NM_018136.5 (MANE Select); coding-DNA position 7114, A replaced by G.
Protein change: p.Arg2372Gly; replaces arginine 2372 with glycine.
Molecular consequence: missense variant. On other transcripts: intron variant (1).
Genome position (GRCh38, 1-based): chr1:197,102,137, T>C on the plus strand (A>G on the coding strand, the complement: ASPM is on the minus strand). VCF-style: chr1-197102137-T-C. GRCh37 (hg19) VCF-style: chr1-197071267-T-C.
Other names: c.4066-5973A>G (NM_001206846.2); short protein forms R2372G.
Identifiers: ClinVar variation 499427 (VCV000499427.18), dbSNP rs190693455, ClinGen allele CA1309453.